The following is an entry in ClinVar:

ClinVar aggregate classification (germline): Uncertain significance (1 of 4 stars; one submission).

Allele frequency attached by ClinVar (database versions not stated): gnomAD exomes below 0.00001; TOPMed below 0.00001.
gnomAD v4.1: 2 of 1,495,814 alleles (0.00013%); highest among the groups gnomAD compares: Admixed American, 0.0022%; no homozygotes.

Submission:

GeneDx
Classification: Uncertain significance. Last evaluated: 2021-11-17. Review status: criteria provided, single submitter. Criteria: GeneDx Variant Classification Process June 2021. Collection method: clinical testing. Allele origin: germline. Affected: yes.
Comment: Not observed in large population cohorts (Lek et al., 2016); In silico analysis supports that this missense variant does not alter protein structure/function; Has not been previously published as pathogenic or benign to our knowledge

NM_015001.3(SPEN):c.100A>G (p.Ser34Gly)

Gene: SPEN (spen family transcriptional repressor; plus strand). Cytogenetic location: 1p36.21.
Variant type: single nucleotide variant.
Coding change: c.100A>G on transcript NM_015001.3 (MANE Select); coding-DNA position 100, A replaced by G.
Protein change: p.Ser34Gly; replaces serine 34 with glycine.
Molecular consequence: missense variant.
Genome position (GRCh38, 1-based): chr1:15,872,832, A>G. VCF-style: chr1-15872832-A-G. GRCh37 (hg19) VCF-style: chr1-16199327-A-G.
Other names: short protein forms S34G.
Identifiers: ClinVar variation 1320457 (VCV001320457.3), dbSNP rs2070595255, ClinGen allele CA338595963.